The following is an entry in ClinVar:

NM_001009999.3(KDM1A):c.2447C>T (p.Pro816Leu)

Gene: KDM1A (lysine demethylase 1A; plus strand). Cytogenetic location: 1p36.12.
Variant type: single nucleotide variant.
Coding change: c.2447C>T on transcript NM_001009999.3 (MANE Select); coding-DNA position 2447, C replaced by T.
Protein change: p.Pro816Leu; replaces proline 816 with leucine.
Molecular consequence: missense variant. On other transcripts: 3 prime UTR variant (1).
Genome position (GRCh38, 1-based): chr1:23,083,180, C>T. VCF-style: chr1-23083180-C-T. GRCh37 (hg19) VCF-style: chr1-23409673-C-T.
Other names: c.2393C>T, p.Pro798Leu (NM_001363654.2); c.2453C>T, p.Pro818Leu (NM_001410762.1); c.*695C>T (NM_001410763.1); c.2375C>T, p.Pro792Leu (NM_015013.4); short protein forms P816L, P792L, P798L, P818L.
Identifiers: ClinVar variation 3863272 (VCV003863272.1).
Genomic context (GRCh38, chr1:23,083,180, plus strand): 5'-AGTACAAGAATAAAGGTATATGTGCAGCCTGCCAATTTTCTCTTTTTCCCCTAAAATAGC[C>T]GATTCCACGACTCTTCTTTGCGGGAGAACATACGATCCGTAACTACCCAGCCACAGTGCA-3'
Protein context (NP_001009999.1, residues 806-826): PGPSIPGAPQ[Pro816Leu]IPRLFFAGEH

ClinVar aggregate classification (germline): Uncertain significance (1 of 4 stars; one submission).

Conditions:
Inborn genetic diseases. Identifiers: MedGen C0950123, MeSH D030342.

gnomAD v4.1: 10 of 1,604,378 alleles (0.00062%); highest among the groups gnomAD compares: South Asian, 0.0066%; no homozygotes.

Submission:

Ambry Genetics
Classification: Uncertain significance for Inborn genetic diseases. Last evaluated: 2025-01-17. Review status: criteria provided, single submitter. Criteria: Ambry Variant Classification Scheme 2023. Collection method: clinical testing. Allele origin: germline.
Comment: The p.P816L variant (also known as c.2447C>T), located in coding exon 21 of the KDM1A gene, results from a C to T substitution at nucleotide position 2447. The proline at codon 816 is replaced by leucine, an amino acid with similar properties. This amino acid position is conserved. In addition, this alteration is predicted to be tolerated by in silico analysis. Based on the available evidence, the clinical significance of this variant remains unclear.